The following is an entry in ClinVar:

NM_001999.4(FBN2):c.6167-1G>C

Gene: FBN2 (fibrillin 2; minus strand). Cytogenetic location: 5q23.3.
Variant type: single nucleotide variant.
Coding change: c.6167-1G>C on transcript NM_001999.4 (MANE Select); the canonical splice acceptor site of the intron before coding-DNA position 6167, G replaced by C.
Molecular consequence: splice acceptor variant.
Genome position (GRCh38, 1-based): chr5:128,291,655, C>G on the plus strand (G>C on the coding strand, the complement: FBN2 is on the minus strand). VCF-style: chr5-128291655-C-G. GRCh37 (hg19) VCF-style: chr5-127627347-C-G.
Identifiers: ClinVar variation 2750745 (VCV002750745.3), dbSNP rs2479684649, ClinGen allele CA360764626.

ClinVar aggregate classification (germline): Uncertain significance (1 of 4 stars; one submission).

Conditions:
Congenital contractural arachnodactyly (CCA). Also called: BEALS SYNDROME; Beals-Hecht syndrome; Arthrogryposis, distal, type 9. Identifiers: Orphanet 115, MedGen C0220668, MONDO:0007363, OMIM 121050.

Submission:

Labcorp Genetics (formerly Invitae), Labcorp
Classification: Uncertain significance for Congenital contractural arachnodactyly. Last evaluated: 2023-08-14. Review status: criteria provided, single submitter. Criteria: Invitae Variant Classification Sherloc (09022015). Collection method: clinical testing. Allele origin: germline.
Comment: This variant has not been reported in the literature in individuals affected with FBN2-related conditions. This sequence change affects an acceptor splice site in intron 48 of the FBN2 gene. It is expected to disrupt RNA splicing. Variants that disrupt the donor or acceptor splice site typically lead to a loss of protein function (PMID: 16199547), however the current clinical and genetic evidence is not sufficient to establish whether loss-of-function variants in FBN2 cause disease. This variant is not present in population databases (gnomAD no frequency). Algorithms developed to predict the effect of sequence changes on RNA splicing suggest that this variant may disrupt the consensus splice site. In summary, the available evidence is currently insufficient to determine the role of this variant in disease. Therefore, it has been classified as a Variant of Uncertain Significance.

Literature cited by the submitters: PubMed 16199547.